The following is an entry in ClinVar:

NM_007294.4(BRCA1):c.4393A>C (p.Ile1465Leu)

Gene: BRCA1 (BRCA1 DNA repair associated; minus strand). Cytogenetic location: 17q21.31.
Variant type: single nucleotide variant.
Coding change: c.4393A>C on transcript NM_007294.4 (MANE Select); coding-DNA position 4393, A replaced by C.
Protein change: p.Ile1465Leu; replaces isoleucine 1465 with leucine.
Molecular consequence: missense variant. On other transcripts: non-coding transcript variant (1).
Genome position (GRCh38, 1-based): chr17:43,076,579, T>G on the plus strand (A>C on the coding strand, the complement: BRCA1 is on the minus strand). VCF-style: chr17-43076579-T-G. GRCh37 (hg19) VCF-style: chr17-41228596-T-G.
Other names: c.4180A>C, p.Ile1394Leu (NM_001407896.1, NM_001407897.1, NM_001407898.1 and 12 more transcripts); c.4177A>C, p.Ile1393Leu (NM_001407915.1, NM_001407916.1, NM_001407917.1 and 1 more transcripts); c.4270A>C, p.Ile1424Leu (NM_001407919.1, NM_001407937.1, NM_001407938.1 and 6 more transcripts); c.4129A>C, p.Ile1377Leu (NM_001407920.1, NM_001407921.1, NM_001407922.1 and 4 more transcripts); c.4126A>C, p.Ile1376Leu (NM_001407927.1, NM_001407928.1, NM_001407929.1 and 4 more transcripts); c.4123A>C, p.Ile1375Leu (NM_001407934.1, NM_001407935.1, NM_001407936.1); c.4267A>C, p.Ile1423Leu (NM_001407939.1, NM_001407940.1, NM_001407670.1 and 11 more transcripts); c.4264A>C, p.Ile1422Leu (NM_001407941.1, NM_001407681.1, NM_001407682.1 and 6 more transcripts); and 68 more; short protein forms I1465L, I1418L, I1486L, I361L, I1168L, I1296L, I1338L, I1352L.
Identifiers: ClinVar variation 433714 (VCV000433714.4), dbSNP rs1567779778, ClinGen allele CA10592752.
Genomic context (GRCh38, chr17:43,076,579, plus strand): 5'-TAGAACTATCTGCAGACACCTCAAACTTGTCAGCAGAAAGGCCTTCTGGATTCTGGCTTA[T>G]AGGGTATTCACTACTTTTCTGTGAAGTTAATACTGCTTTAAATGGAATGAGAAAACAAAT-3'
Protein context (NP_009225.1, residues 1455-1475): LTSQKSSEYP[Ile1465Leu]SQNPEGLSAD

ClinVar aggregate classification (germline): Uncertain significance. Review status: criteria provided, single submitter (1 of 4 stars). 2 submissions from 2 submitters: Uncertain significance (1). 1 of the submissions does not count toward it. Last evaluated 2024-03-02.

Conditions:
Hereditary breast ovarian cancer syndrome. Also called: Hereditary breast and ovarian cancer syndrome (HBOC); Breast and ovarian cancer; BRCA1- and BRCA2-Associated Hereditary Breast and Ovarian Cancer; Hereditary breast and/or ovarian cancer syndrome; Hereditary breast and ovarian cancer; Hereditary breast and ovarian cancer syndrome. Identifiers: Orphanet 145, MedGen C0677776, MeSH D061325, MONDO:0003582. Disease mechanism: loss of function.
Malignant tumor of breast. Also called: Malignant breast neoplasm; Cancer breast. Identifiers: MedGen C0006142, MONDO:0007254. Disease mechanism: loss of function.

Submissions (2):

Labcorp Genetics (formerly Invitae), Labcorp
Classification: Uncertain significance for Hereditary breast ovarian cancer syndrome. Last evaluated: 2024-03-02. Review status: criteria provided, single submitter. Criteria: Invitae Variant Classification Sherloc (09022015). Collection method: clinical testing. Allele origin: germline.
Comment: This sequence change replaces isoleucine, which is neutral and non-polar, with leucine, which is neutral and non-polar, at codon 1465 of the BRCA1 protein (p.Ile1465Leu). This variant is not present in population databases (gnomAD no frequency). This variant has not been reported in the literature in individuals affected with BRCA1-related conditions. ClinVar contains an entry for this variant (Variation ID: 433714). Advanced modeling of protein sequence and biophysical properties (such as structural, functional, and spatial information, amino acid conservation, physicochemical variation, residue mobility, and thermodynamic stability) performed at Invitae indicates that this missense variant is not expected to disrupt BRCA1 protein function with a negative predictive value of 95%. In summary, the available evidence is currently insufficient to determine the role of this variant in disease. Therefore, it has been classified as a Variant of Uncertain Significance.

Department of Pathology and Laboratory Medicine, Sinai Health System
Classification: Uncertain significance for Malignant tumor of breast. Review status: no assertion criteria provided. Collection method: clinical testing. Allele origin: unknown. Affected: yes. Study: The Canadian Open Genetics Repository (COGR). Not counted in ClinVar's aggregate classification.